The following is an entry in ClinVar:

NM_005902.4(SMAD3):c.207-26831C>G

Gene: SMAD3 (SMAD family member 3; plus strand). Cytogenetic location: 15q22.33.
Variant type: single nucleotide variant.
Coding change: c.207-26831C>G on transcript NM_005902.4 (MANE Select); 26831 bases into the intron before coding-DNA position 207, C replaced by G.
Molecular consequence: intron variant. On other transcripts: missense variant (1), 5 prime UTR variant (1).
Genome position (GRCh38, 1-based): chr15:67,138,064, C>G. VCF-style: chr15-67138064-C-G. GRCh37 (hg19) VCF-style: chr15-67430402-C-G.
Other names: c.38C>G, p.Ala13Gly (NM_001145103.2); c.-568C>G (NM_001407016.1); c.207-26831C>G (NM_001407011.1, NM_001407013.1, NM_001407012.1); c.60-26831C>G (NM_001407014.1); c.-110+12080C>G (NM_001145102.2, NM_001407015.1); c.38C>G (NM_001145103.1); short protein forms A13G.
Identifiers: ClinVar variation 4686128 (VCV004686128.2).
Genomic context (GRCh38, chr15:67,138,064, plus strand): 5'-TGTGACCTCCCAACTTCACAAACATGTCTTGCCTGCACCCTAGGCAAACGTGGAAAGGCG[C>G]AGCTCTGGTACACCGGAAAGCATGGTGGATGGGGAGGTAGGAGCCCCGTGCCGGGACATG-3'

ClinVar aggregate classification (germline): Uncertain significance. Review status: criteria provided, multiple submitters, no conflicts (2 of 4 stars). 2 submissions from 2 submitters: Uncertain significance (2). Last evaluated 2026-07-01.

Conditions:
Familial thoracic aortic aneurysm and aortic dissection (TAAD). Also called: Thoracic aortic aneurysms and dissections. Identifiers: Orphanet 91387, MedGen C4707243, MONDO:0019625.

gnomAD v4.1: 14 of 1,551,828 alleles (0.0009%); highest among the groups gnomAD compares: Non-Finnish European, 0.00017%; no homozygotes.

Submissions (2):

Ambry Genetics
Classification: Uncertain significance for Familial thoracic aortic aneurysm and aortic dissection. Last evaluated: 2026-07-01. Review status: criteria provided, single submitter. Criteria: Ambry Variant Classification Scheme 2023. Collection method: clinical testing. Allele origin: germline.
Comment: The p.A13G variant (also known as c.38C>G), located in coding exon 1 of the SMAD3 gene, results from a C to G substitution at nucleotide position 38. The alanine at codon 13 is replaced by glycine, an amino acid with similar properties. This amino acid position is conserved. In addition, this alteration is predicted to be tolerated by in silico analysis. Based on the available evidence, the clinical significance of this variant remains unclear.

GeneDx
Classification: Uncertain significance. Last evaluated: 2025-07-18. Review status: criteria provided, single submitter. Criteria: GeneDx Variant Classification Process June 2021. Collection method: clinical testing. Allele origin: germline. Affected: yes.
Comment: Not observed at significant frequency in large population cohorts (gnomAD); In silico analysis suggests that this missense variant does not alter protein structure/function; Has not been previously published as pathogenic or benign to our knowledge; Reported using an alternate transcript of the gene